The following is an entry in ClinVar:

ClinVar aggregate classification (germline): Uncertain significance. Review status: criteria provided, multiple submitters, no conflicts (2 of 4 stars). 2 submissions from 2 submitters: Uncertain significance (2). Last evaluated 2025-07-21.

Conditions:
Inborn genetic diseases. Identifiers: MedGen C0950123, MeSH D030342.
Charcot-Marie-Tooth disease recessive intermediate C. Also called: CHARCOT-MARIE-TOOTH NEUROPATHY, RECESSIVE INTERMEDIATE C. Identifiers: Orphanet 369867, MedGen C3809309, MONDO:0014154, OMIM 615376.
Neuronopathy, distal hereditary motor, autosomal recessive 4. Also called: Autosomal recessive lower motor neuron disease with childhood onset; NEUROPATHY, DISTAL HEREDITARY MOTOR, AUTOSOMAL RECESSIVE 4. Identifiers: Orphanet 206580, MedGen C1970211, MONDO:0012608, OMIM 611067.

Allele frequency attached by ClinVar (database versions not stated): gnomAD exomes 0.00002; ExAC 0.00004; gnomAD 0.00004 and 0.00006; TOPMed 0.00008.
gnomAD v4.1: 37 of 1,581,856 alleles (0.0023%); highest among the groups gnomAD compares: Middle Eastern, 0.018%; no homozygotes.

Submissions (2):

Labcorp Genetics (formerly Invitae), Labcorp
Classification: Uncertain significance for Neuronopathy, distal hereditary motor, autosomal recessive 4; Charcot-Marie-Tooth disease recessive intermediate C. Last evaluated: 2025-07-21. Review status: criteria provided, single submitter. Criteria: Invitae Variant Classification Sherloc (09022015). Collection method: clinical testing. Allele origin: germline.
Comment: This sequence change replaces arginine, which is basic and polar, with cysteine, which is neutral and slightly polar, at codon 190 of the PLEKHG5 protein (p.Arg190Cys). This variant is present in population databases (rs763551102, gnomAD 0.01%). This variant has not been reported in the literature in individuals affected with PLEKHG5-related conditions. ClinVar contains an entry for this variant (Variation ID: 850924). An algorithm developed to predict the effect of missense changes on protein structure and function (PolyPhen-2) suggests that this variant is likely to be disruptive. In summary, the available evidence is currently insufficient to determine the role of this variant in disease. Therefore, it has been classified as a Variant of Uncertain Significance.

Ambry Genetics
Classification: Uncertain significance for Inborn genetic diseases. Last evaluated: 2024-08-20. Review status: criteria provided, single submitter. Criteria: Ambry Variant Classification Scheme 2023. Collection method: clinical testing. Allele origin: germline.

NM_020631.6(PLEKHG5):c.568C>T (p.Arg190Cys)

Gene: PLEKHG5 (pleckstrin homology and RhoGEF domain containing G5; minus strand). Cytogenetic location: 1p36.31.
Variant type: single nucleotide variant.
Coding change: c.568C>T on transcript NM_020631.6 (MANE Select); coding-DNA position 568, C replaced by T.
Protein change: p.Arg190Cys; replaces arginine 190 with cysteine.
Molecular consequence: missense variant.
Genome position (GRCh38, 1-based): chr1:6,474,036, G>A on the plus strand (C>T on the coding strand, the complement: PLEKHG5 is on the minus strand). VCF-style: chr1-6474036-G-A. GRCh37 (hg19) VCF-style: chr1-6534096-G-A.
Other names: c.679C>T, p.Arg227Cys (NM_001042663.3, NM_001265592.2); c.568C>T, p.Arg190Cys (NM_001042664.2, NM_001042665.2, NM_001265594.3 and 1 more transcripts); c.775C>T, p.Arg259Cys (NM_001265593.2); short protein forms R190C, R259C, R227C.
Identifiers: ClinVar variation 850924 (VCV000850924.9), dbSNP rs763551102, ClinGen allele CA561807.